The following is an entry in ClinVar:

NC_000002.11:g.(?_152499068)_(152500663_?)del

Gene: NEB (nebulin; minus strand). Cytogenetic location: 2q23.3.
Variant type: Deletion.
Identifiers: ClinVar variation 3247256 (VCV003247256.1).

ClinVar aggregate classification (germline): Pathogenic (1 of 4 stars; one submission).

Conditions:
Nemaline myopathy 2 (NEM2). Also called: Nemaline myopathy 2, autosomal recessive. Identifiers: MedGen C1850569, MONDO:0009725, OMIM 256030.

Submission:

Labcorp Genetics (formerly Invitae), Labcorp
Classification: Pathogenic for Nemaline myopathy 2. Last evaluated: 2023-12-19. Review status: criteria provided, single submitter. Criteria: Invitae Variant Classification Sherloc (09022015). Collection method: clinical testing. Allele origin: unknown.
Comment: This variant is a gross deletion of the genomic region encompassing exon(s) 57-60 of the NEB gene. This variant would be expected to be in-frame, preserving the integrity of the reading frame. This variant has not been reported in the literature in individuals affected with NEB-related conditions. This variant disrupts a region of the NEB protein in which other variant(s) (p.Glu2674Lys) have been determined to be pathogenic (Invitae). This suggests that this is a clinically significant region of the protein, and that variants that disrupt it are likely to be disease-causing. For these reasons, this variant has been classified as Pathogenic.